The following is an entry in ClinVar:

ClinVar aggregate classification (germline): Uncertain significance (1 of 4 stars; one submission).

Conditions:
Combined immunodeficiency due to CD3gamma deficiency. Also called: SCID-LIKE IMMUNODEFICIENCY, T CELL-PARTIAL, B CELL-POSITIVE, NK CELL-POSITIVE; Immunodeficiency 17, CD3 gamma deficient; Immunodeficiency 17; CD3-GAMMA DEFICIENCY. Identifiers: Orphanet 169082, MedGen C3810107, MONDO:0014276, OMIM 615607.

Submission:

Labcorp Genetics (formerly Invitae), Labcorp
Classification: Uncertain significance for Combined immunodeficiency due to CD3gamma deficiency. Last evaluated: 2020-02-28. Review status: criteria provided, single submitter. Criteria: Invitae Variant Classification Sherloc (09022015). Collection method: clinical testing. Allele origin: germline.
Comment: This sequence change falls in intron 2 of the CD3G gene. It does not directly change the encoded amino acid sequence of the CD3G protein, but it affects a nucleotide within the consensus splice site of the intron. This variant is not present in population databases (ExAC no frequency). This variant has not been reported in the literature in individuals with CD3G-related conditions. Nucleotide substitutions within the consensus splice site are a relatively common cause of aberrant splicing (PMID: 17576681, 9536098). Algorithms developed to predict the effect of sequence changes on RNA splicing suggest that this variant may disrupt the consensus splice site, but this prediction has not been confirmed by published transcriptional studies. In summary, the available evidence is currently insufficient to determine the role of this variant in disease. Therefore, it has been classified as a Variant of Uncertain Significance.

Literature cited by the submitters: PubMed 17576681; PubMed 9536098.

NM_000073.3(CD3G):c.79+3A>G

Gene: CD3G (CD3 gamma subunit of T-cell receptor complex; plus strand). Cytogenetic location: 11q23.3.
Variant type: single nucleotide variant.
Coding change: c.79+3A>G on transcript NM_000073.3 (MANE Select); 3 bases into the intron after coding-DNA position 79, A replaced by G.
Molecular consequence: intron variant.
Genome position (GRCh38, 1-based): chr11:118,349,053, A>G. VCF-style: chr11-118349053-A-G. GRCh37 (hg19) VCF-style: chr11-118219768-A-G.
Identifiers: ClinVar variation 1020660 (VCV001020660.6), dbSNP rs1948381958, ClinGen allele CA2003461083.
Genomic context (GRCh38, chr11:118,349,053, plus strand): 5'-CAGCTAATACTCTATCTCTCTTCTGTCTTTACAGGTACTTTGGCCCAGTCAATCAAAGGT[A>G]GGAGAAATGGCTTCTTTCTATACTCAGACTCAGAATATTGACGGAAATTTGGCTTCCTAC-3'